The following is an entry in ClinVar:

ClinVar aggregate classification (germline): Pathogenic. Review status: reviewed by expert panel (3 of 4 stars). 2 submissions from 2 submitters: Pathogenic (1). 1 of the submissions does not count toward it. Last evaluated 2025-05-19.

Conditions:
Juvenile retinoschisis (RS1). Also called: X-linked retinoschisis; X-Linked Juvenile Retinoschisis. Identifiers: Orphanet 792, MedGen C3714753, MONDO:0010725, OMIM 312700.

Submissions (2):

ClinGen X-linked Inherited Retinal Disease Variant Curation Expert Panel, ClinGen
Classification: Pathogenic for Juvenile retinoschisis. Last evaluated: 2025-05-19. Review status: reviewed by expert panel. Criteria: ClinGen X LinkedIRD ACMG Specifications RS1 V1.0.0. Collection method: curation. Allele origin: germline. Inheritance: X-linked inheritance.
Comment: The NM_000330.4(RS1):c.221_237delinsTCCCCTGACCGGGTTAGAGT variant is a frameshift variant due to a deletion of 17 nucleotides and an insertion of 20 nucleotides, introducing a premature stop codon after 3 amino acids and causing a truncated protein. This is a frameshift variant that introduces a premature stop codon between amino acids 1-223 that is predicted to either trigger nonsense-mediated decay or to disrupt a critical C-terminal region required for proper multimerization of RS1 (PVS1, PMID: 19849666). This variant is absent from hemizygous individuals in gnomAD v4.1.0 (PM2_Supporting). The variant has been reported to segregate with retinal dystrophy through at least 3 meioses in the same family (PP1_strong; PMID: 9699564). At least one proband harboring this variant exhibits a phenotype including appearance of schisis and reduced visual acuity before age 13 years, which together are specific for X-linked retinoschisis (PMID: 9699564, PP4). In summary, this variant is classified as pathogenic for X-linked retinoschisis based on the ClinGen X-linked Inherited Retinal Disease Expert Panel Specifications to the ACMG/AMP Variant Interpretation Guidelines for RS1 Version 1.0.0: PVS1, PM2_supporting, PP1_strong, and PP4 (date of approval 01/24/2025).

GeneDx
Classification: Pathogenic. Last evaluated: 2017-08-31. Review status: criteria provided, single submitter. Criteria: GeneDx Variant Classification (06012015). Collection method: clinical testing. Allele origin: germline. Affected: yes. Not counted in ClinVar's aggregate classification.
Comment: The c.221_237del17ins20 variant in the RS1 gene has been reported previously in association with retinoschisis (Rodriguez et al., 1998). The variant causes a frameshift starting with codon Glycine 74, changes this amino acid to a Valine residue and creates a premature Stop codon at position 3 of the new reading frame, denoted p.Gly74ValfsX3. This variant is predicted to cause loss of normal protein function either through protein truncation or nonsense-mediated mRNA decay. The variant is not observed in large population cohorts (Lek et al., 2016; 1000 Genomes Consortium et al., 2015; Exome Variant Server). In summary, we consider this variant to be pathogenic.

NM_000330.4(RS1):c.221_237delinsTCCCCTGACCGGGTTAGAGT (p.Gly74_Asp79delinsValProTer)

Genes: CDKL5 (cyclin dependent kinase like 5; plus strand), RS1 (retinoschisin 1; minus strand). Cytogenetic location: Xp22.13.
Variant type: Indel.
Coding change: c.221_237delinsTCCCCTGACCGGGTTAGAGT on transcript NM_000330.4 (MANE Select); coding-DNA positions 221 to 237, GGGAGGTCACACCGGAC replaced by TCCCCTGACCGGGTTAGAGT.
Protein change: p.Gly74_Asp79delinsValProTer.
Molecular consequence: nonsense. On other transcripts: intron variant (2).
Genome position (GRCh38, 1-based): chrX:18,647,280-18,647,296, GTCCGGTGTGACCTCCC replaced by ACTCTAACCCGGTCAGGGGA on the plus strand (GGGAGGTCACACCGGAC replaced by TCCCCTGACCGGGTTAGAGT on the coding strand, the reverse complement: RS1 is on the minus strand). GRCh37 (hg19): chrX:18,665,400-18,665,416.
Other names: NM_000330.4(RS1):c.221_237delinsTCCCCTGACCGGGTTAGAGT; p.Gly74_Asp79delinsValProTer; c.2797+1190_2797+1206delinsACTCTAACCCGGTCAGGGGA (NM_003159.3, NM_001037343.2).
Identifiers: ClinVar variation 449509 (VCV000449509.4), dbSNP rs1555957756, ClinGen allele CA658658931.